The following is an entry in ClinVar:

ClinVar aggregate classification (germline): Likely pathogenic (1 of 4 stars; one submission).

Conditions:
TAB2-related disorder.

Submission:

PreventionGenetics, part of Exact Sciences
Classification: Likely pathogenic for TAB2-related condition. Last evaluated: 2025-01-07. Review status: criteria provided, single submitter. Criteria: ACMG Guidelines, 2015. Collection method: clinical testing. Allele origin: germline.
Comment: The TAB2 c.1062delA variant is predicted to result in a frameshift and premature protein termination (p.Val355Serfs*6). To our knowledge, this variant has not been reported in the literature or in a large population database (gnomAD), indicating this variant is rare. Frameshift variants in TAB2 are expected to be pathogenic. This variant is interpreted as likely pathogenic.

NM_001292034.3(TAB2):c.1062del (p.Val355fs)

Genes: TAB2 (TGF-beta activated kinase 1 (MAP3K7) binding protein 2; plus strand), LOC126859827 (BRD4-independent group 4 enhancer GRCh37_chr6:149699707-149700906; plus strand). Cytogenetic location: 6q25.1.
Variant type: Deletion.
Coding change: c.1062del on transcript NM_001292034.3 (MANE Select); coding-DNA position 1062, one base deleted (A; older notation c.1062delA).
Protein change: p.Val355fs; shifts the reading frame from valine 355.
Molecular consequence: frameshift variant.
Genome position (GRCh38, 1-based): chr6:149,378,977, A deleted. VCF-style (leftmost placement, unchanged base first): chr6-149378976-CA-C. GRCh37 (hg19) VCF-style: chr6-149700112-CA-C.
Other names: c.966del, p.Val323fs (NM_001292035.3); c.1062del, p.Val355fs (NM_001369506.1, NM_015093.6); short protein forms V355fs, V323fs.
Identifiers: ClinVar variation 4997862 (VCV004997862.1).